The following continues an entry in ClinVar:

NM_000243.3(MEFV):c.800C>T (p.Thr267Ile)

Gene: MEFV. ClinVar aggregate classification (germline): Conflicting classifications of pathogenicity. Pathogenic (1); Likely pathogenic (6); Uncertain significance (7).

Submissions 13 to 20 of 20:

Mendelics
Classification: Uncertain significance for Familial Mediterranean fever. Last evaluated: 2019-05-28. Review status: criteria provided, single submitter. Criteria: Mendelics Assertion Criteria 2017. Collection method: clinical testing. Allele origin: unknown.

ARUP Laboratories, Molecular Genetics and Genomics, ARUP Laboratories
Classification: Pathogenic. Last evaluated: 2019-03-25. Review status: criteria provided, single submitter. Criteria: ARUP Molecular Germline Variant Investigation Process. Collection method: clinical testing. Allele origin: germline.
Comment: The MEFV c.800C>T; p.Thr267Ile variant (rs104895081) has been published in the literature in individuals with familial Mediterranean fever (FMF) or juvenile idiopathic arthritis, with or without another pathogenic variant (Bernot 1998, Ceylan 2012, Comak 2013, Dogan 2015, Giaglis 2007, Oztuzcu 2014). This variant is listed in the ClinVar database (Variation ID: 2544) and listed in the general population with an overall allele frequency of 0.015% (42/282848 alleles) in the Genome Aggregation Database. Considering available information, this variant is classified as pathogenic. References: Bernot A et al. Non-founder mutations in the MEFV gene establish this gene as the cause of familial Mediterranean fever (FMF). Hum Mol Genet. 1998 Aug;7(8):1317-25. Ceylan GG et al. Frequency of alterations in the MEFV gene and clinical signs in familial Mediterranean fever in Central Anatolia, Turkey. Genet Mol Res. 2012 May 7;11(2):1185-94. Comak E et al. MEFV gene mutations in Turkish children with juvenile idiopathic arthritis. Eur J Pediatr. 2013 Aug;172(8):1061-7. Dogan H et al. Familial Mediterranean fever gene mutations in north-eastern part of Anatolia with special respect to rare mutations. Gene. 2015 Sep 1;568(2):170-5. Giaglis S et al. MEFV alterations and population genetics analysis in a large cohort of Greek patients with familial Mediterranean fever. Clin Genet. 2007 May;71(5):458-67. Oztuzcu S et al. Screening of common and novel familial mediterranean fever mutations in south-east part of Turkey. Mol Biol Rep. 2014;41(4):2601-7.

PreventionGenetics, part of Exact Sciences
Classification: Uncertain significance for MEFV-related condition. Last evaluated: 2023-11-22. Review status: no assertion criteria provided. Collection method: clinical testing. Allele origin: germline. Not counted in ClinVar's aggregate classification.
Comment: The MEFV c.800C>T variant is predicted to result in the amino acid substitution p.Thr267Ile. This variant is reported in 0.033% of alleles in individuals of South Asian descent in gnomAD. It been reported in the homozygous state in an individual with familial Mediterranean fever (FMF) (Giaglis et al. 2007. PubMed ID: 17489852) and in the presence of a second MEFV variant; however, phase was not reported (Moradian et al. 2010. PubMed ID: 20485448; Oztuzcu et al. 2014. PubMed ID: 24469716). This variant was also reported in an individual with FMF and two other established pathogenic MEFV variants; however, the phase of this complex allele was not reported (Cornelius and Duno 2011. PubMed ID: 20721559). The c.800C>T (p.Thr267Ile) variant and another MEFV variant were reported in an individual with oligoarthritis; however, phase of the variants was not reported (Comak et al. 2013. PubMed ID: 23588594). This variant has been reported in the heterozygous state in individuals with FMF in which a second MEFV variant was not found or additional information on other variants was not provided (NAJ: 21-31, Bernot et al. 1998. PubMed ID: 9668175; Medlej-Hashim et al. 2005. PubMed ID: 16378925; Ceylan et al. 2012. PubMed ID: 22614345; Oztuzcu et al. 2014. PubMed ID: 24469716; Balta et al. 2020. PubMed ID: 31989427). Of note, FMF symptoms in patients with a single heterozygous MEFV variant could be due to an undetected second variant present in the gene or some patients with a single heterozygous variant could be mildly affected (Moradian et al. 2010. PubMed ID: 20485448). An in vitro functional study of monocytes expressing MEFV variants utilized flow cytometry to evaluate the impact the variants had on cell death showed that the p.Thr267Ile variant did not alter cell death rates and results were similar to that of wild type MEFV (Honda et al. 2021. PubMed ID: 33733382). Previous classifications of this variant determined it was causative (Shinar et al. 2012. PubMed ID: 22661645; Van Gijn et al. 2018. PubMed ID: 29599418; INFEVERS database); however, more recent classifications suggest this variant is of uncertain significance. PreventionGenetics classified this variant as ‘pathogenic’ in 2015 based on the literature available at the time; however, based on current evidence the classification of this variant has shifted and now the clinical significance of this variant is uncertain due to the absence of conclusive functional and genetic evidence.

Counsyl
Classification: Uncertain significance for Familial Mediterranean fever. Last evaluated: 2018-05-14. Review status: no assertion criteria provided. Collection method: clinical testing. Allele origin: unknown. Not counted in ClinVar's aggregate classification.

OMIM
Classification: Pathogenic for FAMILIAL MEDITERRANEAN FEVER. Last evaluated: 1998-08-01. Review status: no assertion criteria provided. Collection method: literature only. Allele origin: germline. Not counted in ClinVar's aggregate classification.

Clinical Genetics DNA and cytogenetics Diagnostics Lab, Erasmus MC, Erasmus Medical Center
Classification: Likely pathogenic. Review status: no assertion criteria provided. Collection method: clinical testing. Allele origin: germline. Affected: yes. Study: VKGL Data-share Consensus. Not counted in ClinVar's aggregate classification.

Genome Diagnostics Laboratory, University Medical Center Utrecht
Classification: Likely pathogenic. Review status: no assertion criteria provided. Collection method: clinical testing. Allele origin: germline. Affected: yes. Study: VKGL Data-share Consensus. Not counted in ClinVar's aggregate classification.

Unité médicale des maladies autoinflammatoires, CHRU Montpellier
No classification provided. Condition: Familial Mediterranean fever. Review status: no classification provided. Collection method: not provided. Allele origin: unknown. Not counted in ClinVar's aggregate classification.

Literature cited by the submitters: PubMed 32608308 (cited by Natera, Inc.); PubMed 25703702 (cited by 3 submitters); PubMed 22903357 (cited by 4 submitters); PubMed 20485448 (cited by 5 submitters); PubMed 11781702 (cited by Natera, Inc.); PubMed 17489852 (cited by 5 submitters); PubMed 10737992 (cited by 4 submitters); PubMed 16378925 (cited by 4 submitters); PubMed 16614989 (cited by Mayo Clinic Laboratories, Mayo Clinic and Women's Health and Genetics/Laboratory Corporation of America, LabCorp); PubMed 20721559 (cited by 3 submitters); PubMed 22190688 (cited by Mayo Clinic Laboratories, Mayo Clinic and Counsyl); PubMed 22614345 (cited by 3 submitters); PubMed 23505238 (cited by Mayo Clinic Laboratories, Mayo Clinic and Labcorp Genetics (formerly Invitae), Labcorp); PubMed 23588594 (cited by Mayo Clinic Laboratories, Mayo Clinic and Labcorp Genetics (formerly Invitae), Labcorp); PubMed 24469716 (cited by 3 submitters); PubMed 26003477 (cited by 4 submitters); PubMed 28386255 (cited by Mayo Clinic Laboratories, Mayo Clinic and Women's Health and Genetics/Laboratory Corporation of America, LabCorp); PubMed 30887796 (cited by Mayo Clinic Laboratories, Mayo Clinic and Women's Health and Genetics/Laboratory Corporation of America, LabCorp); PubMed 31989427 (cited by Mayo Clinic Laboratories, Mayo Clinic and Women's Health and Genetics/Laboratory Corporation of America, LabCorp); PubMed 33733382 (cited by 3 submitters); PubMed 39033325 (cited by Mayo Clinic Laboratories, Mayo Clinic); PubMed 9668175 (cited by 5 submitters); PubMed 21413889 (cited by 3 submitters); PubMed 15024744 (cited by Women's Health and Genetics/Laboratory Corporation of America, LabCorp); PubMed 20645115 (cited by Women's Health and Genetics/Laboratory Corporation of America, LabCorp); PubMed 11175300 (cited by Women's Health and Genetics/Laboratory Corporation of America, LabCorp); PubMed 22661645 (cited by Women's Health and Genetics/Laboratory Corporation of America, LabCorp); PubMed 29599418 (cited by Women's Health and Genetics/Laboratory Corporation of America, LabCorp); PubMed 15951859 (cited by Counsyl).